The following is an entry in ClinVar:

ClinVar aggregate classification (germline): Uncertain significance (1 of 4 stars; one submission).

Allele frequency attached by ClinVar (database versions not stated): TOPMed below 0.00001; ExAC 0.00001; gnomAD exomes 0.00001.
gnomAD v4.1: 8 of 1,613,670 alleles (0.0005%); highest among the groups gnomAD compares: South Asian, 0.0077%; no homozygotes.

Submission:

Labcorp Genetics (formerly Invitae), Labcorp
Classification: Uncertain significance. Last evaluated: 2023-04-18. Review status: criteria provided, single submitter. Criteria: Invitae Variant Classification Sherloc (09022015). Collection method: clinical testing. Allele origin: germline.
Comment: In summary, the available evidence is currently insufficient to determine the role of this variant in disease. Therefore, it has been classified as a Variant of Uncertain Significance. Algorithms developed to predict the effect of sequence changes on RNA splicing suggest that this variant may disrupt the consensus splice site. Advanced modeling of protein sequence and biophysical properties (such as structural, functional, and spatial information, amino acid conservation, physicochemical variation, residue mobility, and thermodynamic stability) performed at Invitae indicates that this missense variant is expected to disrupt C1S protein function. This variant has not been reported in the literature in individuals affected with C1S-related conditions. This variant is not present in population databases (gnomAD no frequency). This sequence change replaces tyrosine, which is neutral and polar, with cysteine, which is neutral and slightly polar, at codon 67 of the C1S protein (p.Tyr67Cys).

NM_001734.5(C1S):c.200A>G (p.Tyr67Cys)

Gene: C1S (complement C1s; plus strand). Cytogenetic location: 12p13.31.
Variant type: single nucleotide variant.
Coding change: c.200A>G on transcript NM_001734.5 (MANE Select); coding-DNA position 200, A replaced by G.
Protein change: p.Tyr67Cys; replaces tyrosine 67 with cysteine.
Molecular consequence: missense variant. On other transcripts: intron variant (1).
Genome position (GRCh38, 1-based): chr12:7,062,669, A>G. VCF-style: chr12-7062669-A-G. GRCh37 (hg19) VCF-style: chr12-7169973-A-G.
Other names: c.200A>G, p.Tyr67Cys (NM_201442.4); c.-288-221A>G (NM_001346850.2); short protein forms Y67C.
Identifiers: ClinVar variation 2805136 (VCV002805136.3), dbSNP rs782615357, ClinGen allele CA6423331.
Genomic context (GRCh38, chr12:7,062,669, plus strand): 5'-GGTATGGGATTCACCTCTACTTCACCCATCTGGACATTGAGCTGTCAGAGAACTGTGCGT[A>G]TGACTCAGTGCAGGTATGTTATAAGCACAAAAAGAATAGAGATGGAAGACTAGGGCTAAG-3'
Protein context (NP_001725.1, residues 57-77): LDIELSENCA[Tyr67Cys]DSVQIISGDT